The following is an entry in ClinVar:

ClinVar aggregate classification (germline): Conflicting classifications of pathogenicity. Review status: criteria provided, conflicting classifications (1 of 4 stars). 5 submissions from 5 submitters: Uncertain significance (1); Benign (1); Likely benign (2). 1 of the submissions does not count toward it. Last evaluated 2026-08-03.

Conditions:
COL4A4-related disorder.
Alport syndrome. Also called: Hemorrhagic familial nephritis; Hemorrhagic hereditary nephritis; Congenital hereditary hematuria. Identifiers: Orphanet 63, MedGen C1567741, MONDO:0018965.

Allele frequency attached by ClinVar (database versions not stated): 1000 Genomes Project 0.00040; 1000 Genomes Project 30x 0.00047; ESP Exome Variant Server 0.00092; gnomAD 0.00092 and 0.00101; TOPMed 0.00113; gnomAD exomes 0.00008 and 0.00026; ExAC 0.00036.
gnomAD v4.1: 266 of 1,614,124 alleles (0.016%); highest among the groups gnomAD compares: African/African-American, 0.33%; no homozygotes.

Submissions (5):

PreventionGenetics, part of Exact Sciences
Classification: Likely benign for COL4A4-related condition. Last evaluated: 2026-08-03. Review status: criteria provided, single submitter. Criteria: ACMG Guidelines, 2015. Collection method: clinical testing. Allele origin: germline.
Comment: This variant is classified as likely benign based on ACMG/AMP sequence variant interpretation guidelines (Richards et al. 2015 PMID: 25741868, with internal and published modifications).

Labcorp Genetics (formerly Invitae), Labcorp
Classification: Benign. Last evaluated: 2026-02-01. Review status: criteria provided, single submitter. Criteria: Invitae Variant Classification Sherloc (09022015). Collection method: clinical testing. Allele origin: germline.

GeneDx
Classification: Likely benign. Last evaluated: 2020-10-06. Review status: criteria provided, single submitter. Criteria: GeneDx Variant Classification Process June 2021. Collection method: clinical testing. Allele origin: germline. Affected: yes.

Eurofins Ntd Llc (ga)
Classification: Uncertain significance. Last evaluated: 2018-07-06. Review status: criteria provided, single submitter. Criteria: EGL ClinVar v180209 classification definitions. Collection method: clinical testing. Allele origin: germline. Observed: 2 variant alleles, 2 heterozygotes.

Natera, Inc.
Classification: Likely benign for Alport syndrome. Last evaluated: 2020-05-31. Review status: no assertion criteria provided. Collection method: clinical testing. Allele origin: germline. Not counted in ClinVar's aggregate classification.

NM_000092.5(COL4A4):c.1776T>C (p.Ala592=)

Gene: COL4A4 (collagen type IV alpha 4 chain; minus strand). Cytogenetic location: 2q36.3.
Variant type: single nucleotide variant.
Coding change: c.1776T>C on transcript NM_000092.5 (MANE Select); coding-DNA position 1776, T replaced by C.
Protein change: p.Ala592=; no amino-acid change (alanine 592 retained).
Molecular consequence: synonymous variant.
Genome position (GRCh38, 1-based): chr2:227,080,470, A>G on the plus strand (T>C on the coding strand, the complement: COL4A4 is on the minus strand). VCF-style: chr2-227080470-A-G. GRCh37 (hg19) VCF-style: chr2-227945186-A-G.
Identifiers: ClinVar variation 593863 (VCV000593863.21), dbSNP rs188655353, ClinGen allele CA2145063.